The following is an entry in ClinVar:

NM_025114.4(CEP290):c.4561G>T (p.Glu1521Ter)

Gene: CEP290 (centrosomal protein 290; minus strand). Cytogenetic location: 12q21.32.
Variant type: single nucleotide variant.
Coding change: c.4561G>T on transcript NM_025114.4 (MANE Select); coding-DNA position 4561, G replaced by T.
Protein change: p.Glu1521Ter; replaces glutamic acid 1521 with a stop codon.
Molecular consequence: nonsense.
Genome position (GRCh38, 1-based): chr12:88,084,729, C>A on the plus strand (G>T on the coding strand, the complement: CEP290 is on the minus strand). VCF-style: chr12-88084729-C-A. GRCh37 (hg19) VCF-style: chr12-88478506-C-A.
Other names: short protein forms E1521*.
Identifiers: ClinVar variation 2922723 (VCV002922723.3), dbSNP rs1475658217, ClinGen allele CA385995411.

ClinVar aggregate classification (germline): Pathogenic (1 of 4 stars; one submission).

Conditions:
Joubert syndrome. Also called: CEREBELLOPARENCHYMAL DISORDER IV; JOUBERT-BOLTSHAUSER SYNDROME; Familial aplasia of the vermis. Identifiers: Orphanet 475, MedGen C5979921, MONDO:0018772.
Nephronophthisis. Also called: Juvenile Nephronophthisis. Identifiers: Orphanet 655, MedGen C0687120, MONDO:0019005, HP:0000090.
Meckel-Gruber syndrome. Also called: DYSENCEPHALIA SPLANCHNOCYSTICA; GRUBER SYNDROME; Dysencephalia splachnocystica. Identifiers: Orphanet 564, MedGen C0265215, MONDO:0018921.

Submission:

Labcorp Genetics (formerly Invitae), Labcorp
Classification: Pathogenic for Joubert syndrome; Meckel-Gruber syndrome; Nephronophthisis. Last evaluated: 2024-01-30. Review status: criteria provided, single submitter. Criteria: Invitae Variant Classification Sherloc (09022015). Collection method: clinical testing. Allele origin: germline.
Comment: This sequence change creates a premature translational stop signal (p.Glu1521*) in the CEP290 gene. It is expected to result in an absent or disrupted protein product. Loss-of-function variants in CEP290 are known to be pathogenic (PMID: 16909394, 17345604, 20690115). This variant is not present in population databases (gnomAD no frequency). This variant has not been reported in the literature in individuals affected with CEP290-related conditions. For these reasons, this variant has been classified as Pathogenic.

Literature cited by the submitters: PubMed 16909394; PubMed 17345604; PubMed 20690115.